The following is an entry in ClinVar:

ClinVar aggregate classification (germline): Benign. Review status: criteria provided, multiple submitters, no conflicts (2 of 4 stars). 3 submissions from 3 submitters: Benign (3). Last evaluated 2024-02-01.

Allele frequency attached by ClinVar (database versions not stated): 1000 Genomes Project 30x 0.00468; 1000 Genomes Project 0.00539; TOPMed 0.00795; gnomAD 0.00825 and 0.00856; gnomAD exomes 0.00939 and 0.01229; ExAC 0.00956; ESP Exome Variant Server 0.01099.
gnomAD v4.1: 19,169 of 1,613,592 alleles (1.2%); highest among the groups gnomAD compares: Middle Eastern, 1.4%; 141 homozygotes.

Submissions (3):

CeGaT Center for Human Genetics Tuebingen
Classification: Benign. Last evaluated: 2024-02-01. Review status: criteria provided, single submitter. Criteria: CeGaT Center For Human Genetics Tuebingen Variant Classification Criteria Version 2. Collection method: clinical testing. Allele origin: germline. Affected: yes. Observed: 1 variant allele.
Comment: PTPRN2: BP4, BS1, BS2

Labcorp Genetics (formerly Invitae), Labcorp
Classification: Benign. Last evaluated: 2019-12-31. Review status: criteria provided, single submitter. Criteria: Invitae Variant Classification Sherloc (09022015). Collection method: clinical testing. Allele origin: germline.

Breakthrough Genomics
Classification: Benign. Review status: criteria provided, single submitter. Criteria: ACMG Guidelines, 2015. Collection method: not provided. Allele origin: germline. Inheritance: Unknown mechanism. Affected: yes.

NM_002847.5(PTPRN2):c.1150G>A (p.Asp384Asn)

Gene: PTPRN2 (protein tyrosine phosphatase receptor type N2; minus strand). Cytogenetic location: 7q36.3.
Variant type: single nucleotide variant.
Coding change: c.1150G>A on transcript NM_002847.5 (MANE Select); coding-DNA position 1150, G replaced by A.
Protein change: p.Asp384Asn; replaces aspartic acid 384 with asparagine.
Molecular consequence: missense variant.
Genome position (GRCh38, 1-based): chr7:158,136,678, C>T on the plus strand (G>A on the coding strand, the complement: PTPRN2 is on the minus strand). VCF-style: chr7-158136678-C-T. GRCh37 (hg19) VCF-style: chr7-157929370-C-T.
Other names: c.1036G>A, p.Asp346Asn (NM_001308267.2); c.1219G>A, p.Asp407Asn (NM_001308268.2); c.1099G>A, p.Asp367Asn (NM_130842.4); c.1150G>A, p.Asp384Asn (NM_130843.4); short protein forms D384N, D346N, D367N, D407N.
Identifiers: ClinVar variation 771729 (VCV000771729.27), dbSNP rs55645575, ClinGen allele CA4591678.